The following is an entry in ClinVar:

NM_004836.7(EIF2AK3):c.496_497inv (p.Gln166Ter)

Gene: EIF2AK3 (eukaryotic translation initiation factor 2 alpha kinase 3; minus strand). Cytogenetic location: 2p11.2.
Variant type: Inversion.
Coding change: c.496_497inv on transcript NM_004836.7 (MANE Select).
Protein change: p.Gln166Ter; replaces glutamine 166 with a stop codon.
Molecular consequence: nonsense.
Genome position: GRCh38 VCF-style: chr2-88595605-TG-CA. GRCh37 (hg19) VCF-style: chr2-88895123-TG-CA.
Other names: c.43_44inv, p.Gln15Ter (NM_001313915.2); short protein forms Q15*, Q166*.
Identifiers: ClinVar variation 2048813 (VCV002048813.4), ClinGen allele CA2580068297.

ClinVar aggregate classification (germline): Pathogenic (1 of 4 stars; one submission).

Submission:

Labcorp Genetics (formerly Invitae), Labcorp
Classification: Pathogenic. Last evaluated: 2023-12-24. Review status: criteria provided, single submitter. Criteria: Invitae Variant Classification Sherloc (09022015). Collection method: clinical testing. Allele origin: germline.
Comment: This sequence change creates a premature translational stop signal (p.Gln166*) in the EIF2AK3 gene. It is expected to result in an absent or disrupted protein product. Loss-of-function variants in EIF2AK3 are known to be pathogenic (PMID: 11997520). Information on the frequency of this variant in the gnomAD database is not available, as this variant may be reported differently in the database. This variant has not been reported in the literature in individuals affected with EIF2AK3-related conditions. ClinVar contains an entry for this variant (Variation ID: 2048813). For these reasons, this variant has been classified as Pathogenic.

Literature cited by the submitters: PubMed 11997520.